The following is an entry in ClinVar:

NM_014727.3(KMT2B):c.6499C>T (p.Pro2167Ser)

Gene: KMT2B (lysine methyltransferase 2B; plus strand). Cytogenetic location: 19q13.12.
Variant type: single nucleotide variant.
Coding change: c.6499C>T on transcript NM_014727.3 (MANE Select); coding-DNA position 6499, C replaced by T.
Protein change: p.Pro2167Ser; replaces proline 2167 with serine.
Molecular consequence: missense variant.
Genome position (GRCh38, 1-based): chr19:35,733,048, C>T. VCF-style: chr19-35733048-C-T. GRCh37 (hg19) VCF-style: chr19-36223949-C-T.
Other names: short protein forms P2167S.
Identifiers: ClinVar variation 2988710 (VCV002988710.3), dbSNP rs1969774023, ClinGen allele CA405428903.

ClinVar aggregate classification (germline): Uncertain significance (1 of 4 stars; one submission).

Allele frequency attached by ClinVar (database versions not stated): TOPMed below 0.00001; gnomAD 0.00001.
gnomAD v4.1: 1 of 1,581,216 alleles (0.000063%); highest among the groups gnomAD compares: Non-Finnish European, 0.000086%; no homozygotes.

Submission:

Labcorp Genetics (formerly Invitae), Labcorp
Classification: Uncertain significance. Last evaluated: 2023-03-14. Review status: criteria provided, single submitter. Criteria: Invitae Variant Classification Sherloc (09022015). Collection method: clinical testing. Allele origin: germline.
Comment: In summary, the available evidence is currently insufficient to determine the role of this variant in disease. Therefore, it has been classified as a Variant of Uncertain Significance. Advanced modeling of protein sequence and biophysical properties (such as structural, functional, and spatial information, amino acid conservation, physicochemical variation, residue mobility, and thermodynamic stability) has been performed at Invitae for this missense variant, however the output from this modeling did not meet the statistical confidence thresholds required to predict the impact of this variant on KMT2B protein function. This variant has not been reported in the literature in individuals affected with KMT2B-related conditions. This variant is not present in population databases (gnomAD no frequency). This sequence change replaces proline, which is neutral and non-polar, with serine, which is neutral and polar, at codon 2167 of the KMT2B protein (p.Pro2167Ser).